The following is an entry in ClinVar:

ClinVar aggregate classification (germline): Likely benign. Review status: criteria provided, multiple submitters, no conflicts (2 of 4 stars). 3 submissions from 3 submitters: Likely benign (3). Last evaluated 2025-07-01.

Allele frequency attached by ClinVar (database versions not stated): ExAC 0.00001; gnomAD exomes 0.00002 and 0.00006; gnomAD 0.00004 and 0.00005; TOPMed 0.00004.
gnomAD v4.1: 93 of 1,613,954 alleles (0.0058%); highest among the groups gnomAD compares: African/African-American, 0.015%; no homozygotes.

Submissions (3):

CeGaT Center for Human Genetics Tuebingen
Classification: Likely benign. Last evaluated: 2025-07-01. Review status: criteria provided, single submitter. Criteria: CeGaT Center For Human Genetics Tuebingen Variant Classification Criteria Version 2. Collection method: clinical testing. Allele origin: germline. Affected: yes. Observed: 1 variant allele.
Comment: STT3A: BP4, BP7

Blueprint Genetics
Classification: Likely benign. Last evaluated: 2021-06-27. Review status: criteria provided, single submitter. Criteria: ACMG Guidelines, 2015. Collection method: clinical testing. Allele origin: germline.

GeneDx
Classification: Likely benign. Last evaluated: 2017-10-11. Review status: criteria provided, single submitter. Criteria: GeneDx Variant Classification (06012015). Collection method: clinical testing. Allele origin: germline. Affected: yes.
Comment: This variant is considered likely benign or benign based on one or more of the following criteria: it is a conservative change, it occurs at a poorly conserved position in the protein, it is predicted to be benign by multiple in silico algorithms, and/or has population frequency not consistent with disease.

NM_152713.5(STT3A):c.1179T>C (p.Gly393=)

Gene: STT3A (STT3 oligosaccharyltransferase complex catalytic subunit A; plus strand). Cytogenetic location: 11q24.2.
Variant type: single nucleotide variant.
Coding change: c.1179T>C on transcript NM_152713.5 (MANE Select); coding-DNA position 1179, T replaced by C.
Protein change: p.Gly393=; no amino-acid change (glycine 393 retained).
Molecular consequence: synonymous variant.
Genome position (GRCh38, 1-based): chr11:125,611,489, T>C. VCF-style: chr11-125611489-T-C. GRCh37 (hg19) VCF-style: chr11-125481384-T-C.
Other names: c.1179T>C, p.Gly393= (NM_001278503.2); c.903T>C, p.Gly301= (NM_001278504.2).
Identifiers: ClinVar variation 512293 (VCV000512293.10), dbSNP rs769712876, ClinGen allele CA6349014.